The following is an entry in ClinVar:

NM_020937.4(FANCM):c.5333C>T (p.Pro1778Leu)

Gene: FANCM (FA complementation group M; plus strand). Cytogenetic location: 14q21.2.
Variant type: single nucleotide variant.
Coding change: c.5333C>T on transcript NM_020937.4 (MANE Select); coding-DNA position 5333, C replaced by T.
Protein change: p.Pro1778Leu; replaces proline 1778 with leucine.
Molecular consequence: missense variant.
Genome position (GRCh38, 1-based): chr14:45,189,355, C>T. VCF-style: chr14-45189355-C-T. GRCh37 (hg19) VCF-style: chr14-45658558-C-T.
Other names: c.5255C>T, p.Pro1752Leu (NM_001308133.2); short protein forms P1752L, P1778L.
Identifiers: ClinVar variation 1312605 (VCV001312605.8), dbSNP rs1212903067, ClinGen allele CA389613361.

ClinVar aggregate classification (germline): Uncertain significance. Review status: criteria provided, multiple submitters, no conflicts (2 of 4 stars). 3 submissions from 3 submitters: Uncertain significance (3). Last evaluated 2025-11-10.

Conditions:
Inborn genetic diseases. Identifiers: MedGen C0950123, MeSH D030342.
Fanconi anemia (FA). Also called: Fanconi's anemia. Identifiers: Orphanet 84, MedGen C0015625, MeSH D005199, MONDO:0019391.

Allele frequency attached by ClinVar (database versions not stated): TOPMed below 0.00001.

Submissions (3):

Ambry Genetics
Classification: Uncertain significance for Inborn genetic diseases. Last evaluated: 2025-11-10. Review status: criteria provided, single submitter. Criteria: Ambry Variant Classification Scheme 2023. Collection method: clinical testing. Allele origin: germline.
Comment: The p.P1778L variant (also known as c.5333C>T), located in coding exon 20 of the FANCM gene, results from a C to T substitution at nucleotide position 5333. The proline at codon 1778 is replaced by leucine, an amino acid with similar properties. This amino acid position is conserved. In addition, this alteration is predicted to be tolerated by in silico analysis. Based on the available evidence, the clinical significance of this variant remains unclear.

GeneDx
Classification: Uncertain significance. Last evaluated: 2023-09-24. Review status: criteria provided, single submitter. Criteria: GeneDx Variant Classification Process June 2021. Collection method: clinical testing. Allele origin: germline. Affected: yes.
Comment: Not observed in large population cohorts (gnomAD); In silico analysis supports that this missense variant does not alter protein structure/function; Has not been previously published as pathogenic or benign to our knowledge

Labcorp Genetics (formerly Invitae), Labcorp
Classification: Uncertain significance for Fanconi anemia. Last evaluated: 2023-04-28. Review status: criteria provided, single submitter. Criteria: Invitae Variant Classification Sherloc (09022015). Collection method: clinical testing. Allele origin: germline.
Comment: ClinVar contains an entry for this variant (Variation ID: 1312605). In summary, the available evidence is currently insufficient to determine the role of this variant in disease. Therefore, it has been classified as a Variant of Uncertain Significance. An algorithm developed to predict the effect of missense changes on protein structure and function (PolyPhen-2) suggests that this variant is likely to be tolerated. This variant has not been reported in the literature in individuals affected with FANCM-related conditions. This variant is not present in population databases (gnomAD no frequency). This sequence change replaces proline, which is neutral and non-polar, with leucine, which is neutral and non-polar, at codon 1778 of the FANCM protein (p.Pro1778Leu).